The following is an entry in ClinVar:

ClinVar aggregate classification (germline): Uncertain significance (1 of 4 stars; one submission).

Conditions:
Cardiovascular phenotype. Identifiers: MedGen CN230736.

gnomAD v4.1: 1 of 1,562,634 alleles (0.000064%); highest among the groups gnomAD compares: Non-Finnish European, 0.000087%; no homozygotes.

Submission:

Ambry Genetics
Classification: Uncertain significance for Cardiovascular phenotype. Last evaluated: 2026-06-25. Review status: criteria provided, single submitter. Criteria: Ambry Variant Classification Scheme 2023. Collection method: clinical testing. Allele origin: germline.
Comment: The p.D54N variant (also known as c.160G>A), located in coding exon 1 of the DSP gene, results from a G to A substitution at nucleotide position 160. The aspartic acid at codon 54 is replaced by asparagine, an amino acid with highly similar properties. This amino acid position is highly conserved in available vertebrate species. In addition, this alteration is predicted to be tolerated by in silico analysis. Based on the available evidence, the clinical significance of this variant remains unclear.

NM_004415.4(DSP):c.160G>A (p.Asp54Asn)

Genes: DSP (desmoplakin; plus strand), DSP-AS1 (DSP antisense RNA 1; minus strand). Cytogenetic location: 6p24.3.
Variant type: single nucleotide variant.
Coding change: c.160G>A on transcript NM_004415.4 (MANE Select); coding-DNA position 160, G replaced by A.
Protein change: p.Asp54Asn; replaces aspartic acid 54 with asparagine.
Molecular consequence: missense variant.
Genome position (GRCh38, 1-based): chr6:7,542,075, G>A. VCF-style: chr6-7542075-G-A. GRCh37 (hg19) VCF-style: chr6-7542308-G-A.
Other names: c.160G>A, p.Asp54Asn (NM_001008844.3, NM_001319034.2, NM_001406591.1); short protein forms D54N.
Identifiers: ClinVar variation 5035630 (VCV005035630.1).